The following is an entry in ClinVar:

NM_000179.3(MSH6):c.4076A>C (p.Glu1359Ala)

Gene: MSH6 (mutS homolog 6; plus strand). Cytogenetic location: 2p16.3.
Variant type: single nucleotide variant.
Coding change: c.4076A>C on transcript NM_000179.3 (MANE Select); coding-DNA position 4076, A replaced by C.
Protein change: p.Glu1359Ala; replaces glutamic acid 1359 with alanine.
Molecular consequence: missense variant.
Genome position (GRCh38, 1-based): chr2:47,806,853, A>C. VCF-style: chr2-47806853-A-C. GRCh37 (hg19) VCF-style: chr2-48033992-A-C.
Other names: c.3686A>C, p.Glu1229Ala (NM_001281492.2); c.3170A>C, p.Glu1057Ala (NM_001281493.2, NM_001281494.2, NM_001406823.1 and 6 more transcripts); c.4172A>C, p.Glu1391Ala (NM_001406795.1); c.4076A>C, p.Glu1359Ala (NM_001406796.1, NM_001406809.1); c.3779A>C, p.Glu1260Ala (NM_001406797.1, NM_001406805.1, NM_001406818.1 and 8 more transcripts); c.3902A>C, p.Glu1301Ala (NM_001406798.1); c.3551A>C, p.Glu1184Ala (NM_001406799.1, NM_001406806.1, NM_001406807.1); c.*97A>C (NM_001406800.1); and 9 more; short protein forms E1184A, E1303A, E1359A, E1361A, E837A, E1057A, E1260A, E1301A.
Identifiers: ClinVar variation 1737582 (VCV001737582.2), dbSNP rs2530900648, ClinGen allele CA346761767.
Genomic context (GRCh38, chr2:47,806,853, plus strand): 5'-CTAGTGAAAGGTCAACTGTAGATGCTGAAGCTGTCCATAAATTGCTGACTTTGATTAAGG[A>C]ATTATAGACTGACTACATTGGAAGCTTTGAGTTGACTTCTGACAAAGGTGGTAAATTCAG-3'
Protein context (NP_000170.1, residues 1349-1360): AVHKLLTLIK[Glu1359Ala]L

ClinVar aggregate classification (germline): Uncertain significance (1 of 4 stars; one submission).

Conditions:
Hereditary cancer-predisposing syndrome. Also called: Neoplastic Syndromes, Hereditary; Tumor predisposition; Hereditary Cancer Syndrome; Hereditary neoplastic syndrome. Identifiers: Orphanet 140162, MedGen C0027672, MeSH D009386, MONDO:0015356.

Submission:

Ambry Genetics
Classification: Uncertain significance for Hereditary cancer-predisposing syndrome. Last evaluated: 2021-06-18. Review status: criteria provided, single submitter. Criteria: Ambry Variant Classification Scheme 2023. Collection method: clinical testing. Allele origin: germline.
Comment: The p.E1359A variant (also known as c.4076A>C), located in coding exon 10 of the MSH6 gene, results from an A to C substitution at nucleotide position 4076. The glutamic acid at codon 1359 is replaced by alanine, an amino acid with dissimilar properties. This amino acid position is not well conserved in available vertebrate species. In addition, the in silico prediction for this alteration is inconclusive. Since supporting evidence is limited at this time, the clinical significance of this alteration remains unclear.